The following is an entry in ClinVar:

NM_000275.3(OCA2):c.1778T>A (p.Phe593Tyr)

Gene: OCA2 (OCA2 melanosomal transmembrane protein; minus strand). Cytogenetic location: 15q13.1.
Variant type: single nucleotide variant.
Coding change: c.1778T>A on transcript NM_000275.3 (MANE Select); coding-DNA position 1778, T replaced by A.
Protein change: p.Phe593Tyr; replaces phenylalanine 593 with tyrosine.
Molecular consequence: missense variant.
Genome position (GRCh38, 1-based): chr15:27,957,594, A>T on the plus strand (T>A on the coding strand, the complement: OCA2 is on the minus strand). VCF-style: chr15-27957594-A-T. GRCh37 (hg19) VCF-style: chr15-28202740-A-T.
Other names: c.1706T>A, p.Phe569Tyr (NM_001300984.2); short protein forms F569Y, F593Y.
Identifiers: ClinVar variation 4854976 (VCV004854976.1).

ClinVar aggregate classification (germline): Uncertain significance (1 of 4 stars; one submission).

Conditions:
Tyrosinase-positive oculocutaneous albinism (OCA2). Also called: ALBINISM II; Albinism, oculocutaneous, type II; Oculocutaneous albinism type 2. Identifiers: Orphanet 79432, MedGen C0268495, MONDO:0008746, OMIM 203200.

Submission:

3billion
Classification: Uncertain significance for Tyrosinase-positive oculocutaneous albinism. Last evaluated: 2025-09-21. Review status: criteria provided, single submitter. Criteria: ACMG Guidelines, 2015. Collection method: clinical testing. Allele origin: germline. Affected: yes.
Comment: The variant is not observed in the gnomAD v4.1.0 dataset. Predicted Consequence/Location: Missense variant In silico tool predictions suggest damaging effect of the variant on gene or gene product [REVEL: 0.69 (>=0.6, sensitivity 0.68 and specificity 0.92); 3Cnet: 0.10 (> 0.75, sensitivity 0.96 and precision 0.92)]. A different missense change at the same codon (p.Phe593Ser) has been reported to be associated with OCA2-related disorder (ClinVar ID: VCV002430235 /PMID: 37650133). However the evidence of pathogenicity is insufficient at this time. Therefore, this variant is classified as VUS according to the recommendation of ACMG/AMP guideline.

Literature cited by the submitters: PubMed 37650133.